The following is an entry in ClinVar:

ClinVar aggregate classification (germline): Uncertain significance (1 of 4 stars; one submission).

gnomAD v4.1: 2 of 1,612,568 alleles (0.00012%); highest among the groups gnomAD compares: South Asian, 0.0011%; no homozygotes.

Submission:

Labcorp Genetics (formerly Invitae), Labcorp
Classification: Uncertain significance. Last evaluated: 2024-08-11. Review status: criteria provided, single submitter. Criteria: Invitae Variant Classification Sherloc (09022015). Collection method: clinical testing. Allele origin: germline.
Comment: This sequence change replaces histidine, which is basic and polar, with asparagine, which is neutral and polar, at codon 324 of the SCN3A protein (p.His324Asn). This variant is not present in population databases (gnomAD no frequency). This variant has not been reported in the literature in individuals affected with SCN3A-related conditions. An algorithm developed to predict the effect of missense changes on protein structure and function (PolyPhen-2) suggests that this variant is likely to be tolerated. In summary, the available evidence is currently insufficient to determine the role of this variant in disease. Therefore, it has been classified as a Variant of Uncertain Significance.

NM_006922.4(SCN3A):c.970C>A (p.His324Asn)

Gene: SCN3A (sodium voltage-gated channel alpha subunit 3; minus strand). Cytogenetic location: 2q24.3.
Variant type: single nucleotide variant.
Coding change: c.970C>A on transcript NM_006922.4 (MANE Select); coding-DNA position 970, C replaced by A.
Protein change: p.His324Asn; replaces histidine 324 with asparagine.
Molecular consequence: missense variant.
Genome position (GRCh38, 1-based): chr2:165,162,369, G>T on the plus strand (C>A on the coding strand, the complement: SCN3A is on the minus strand). VCF-style: chr2-165162369-G-T. GRCh37 (hg19) VCF-style: chr2-166018879-G-T.
Other names: c.970C>A, p.His324Asn (NM_001081676.2, NM_001081677.2); short protein forms H324N.
Identifiers: ClinVar variation 3661926 (VCV003661926.2).